The following is an entry in ClinVar:

NM_019023.5(PRMT7):c.1055+2T>A

Gene: PRMT7 (protein arginine methyltransferase 7; plus strand). Cytogenetic location: 16q22.1.
Variant type: single nucleotide variant.
Coding change: c.1055+2T>A on transcript NM_019023.5 (MANE Select); the canonical splice donor site of the intron after coding-DNA position 1055, T replaced by A.
Molecular consequence: splice donor variant.
Genome position (GRCh38, 1-based): chr16:68,345,804, T>A. VCF-style: chr16-68345804-T-A. GRCh37 (hg19) VCF-style: chr16-68379707-T-A.
Other names: c.818+2T>A (NM_001378022.1, NM_001378021.1, NM_001378023.1); c.1055+2T>A (NM_001351143.3, NM_001351144.3, NM_001378018.1 and 1 more transcripts); c.905+2T>A (NM_001184824.4); c.848+2T>A (NM_001378020.1).
Identifiers: ClinVar variation 3376298 (VCV003376298.1).

ClinVar aggregate classification (germline): Likely pathogenic (1 of 4 stars; one submission).

Conditions:
Short stature-brachydactyly-obesity-global developmental delay syndrome. Also called: SHORT STATURE, BRACHYDACTYLY, IMPAIRED INTELLECTUAL DEVELOPMENT, AND SEIZURES; Short stature, brachydactyly, intellectual developmental disability, and seizures. Identifiers: Orphanet 464288, MedGen C4310689, MONDO:0014944, OMIM 617157.

Submission:

Pittsburgh Clinical Genomics Laboratory, University of Pittsburgh Medical Center
Classification: Likely pathogenic for Short stature-brachydactyly-obesity-global developmental delay syndrome. Last evaluated: 2023-02-08. Review status: criteria provided, single submitter. Criteria: ACMG Guidelines, 2015. Collection method: clinical testing. Allele origin: germline. Inheritance: Autosomal recessive inheritance. Affected: yes.
Comment: This sequence variant is a single nucleotide substitution (T>A) at the +2 canonical splice site of PRMT7 intron 8. The disruption of this splice site is expected to result in a frameshift, and the introduction of a premature stop codon. As this variant impacts exon 8 of 17, this change is predicted to generate a non-functiol allele through either the expression of a truncated protein or loss of PRMT7 expression due to nonsense mediated decay. This novel variant is not observed in an online database of clinically annotated variants (ClinVar) and is absent from the gnomAD population dataset (0 of approximately 250,000 alleles). To our knowledge, this variant has not been observed in the published literature in an individual with a PRMT7-related disorder. Multiple bioinformatic tools indicate that this variant will disrupt the proper splicing of the resulting PRMT7 transcript, however, to our knowledge, confirmatory functiol studies have not been published. Nonetheless, loss of function is a known mechanism of disease for PRMT7 (PMID: 36399134). Given this information, we consider this a likely pathogenic variant. ACMG Criteria: PM2, PVS1

Literature cited by the submitters: PubMed 36399134.